The following is an entry in ClinVar:

ClinVar aggregate classification (germline): Uncertain significance (1 of 4 stars; one submission).

Allele frequency attached by ClinVar (database versions not stated): gnomAD exomes 0.00002.
gnomAD v4.1: 31 of 1,610,558 alleles (0.0019%); highest among the groups gnomAD compares: Non-Finnish European, 0.0023%; no homozygotes.

Submission:

Labcorp Genetics (formerly Invitae), Labcorp
Classification: Uncertain significance. Last evaluated: 2023-05-15. Review status: criteria provided, single submitter. Criteria: Invitae Variant Classification Sherloc (09022015). Collection method: clinical testing. Allele origin: germline.
Comment: In summary, the available evidence is currently insufficient to determine the role of this variant in disease. Therefore, it has been classified as a Variant of Uncertain Significance. An algorithm developed to predict the effect of missense changes on protein structure and function (PolyPhen-2) suggests that this variant is likely to be disruptive. ClinVar contains an entry for this variant (Variation ID: 1499804). This variant has not been reported in the literature in individuals affected with MYO18B-related conditions. This variant is present in population databases (no rsID available, gnomAD 0.0008%). This sequence change replaces arginine with glutamine at codon 1997 of the MYO18B protein (p.Arg1997Gln). The arginine residue is highly conserved and there is a small physicochemical difference between arginine and glutamine.

NM_032608.7(MYO18B):c.5990G>A (p.Arg1997Gln)

Gene: MYO18B (myosin XVIIIB; plus strand). Cytogenetic location: 22q12.1.
Variant type: single nucleotide variant.
Coding change: c.5990G>A on transcript NM_032608.7 (MANE Select); coding-DNA position 5990, G replaced by A.
Protein change: p.Arg1997Gln; replaces arginine 1997 with glutamine.
Molecular consequence: missense variant.
Genome position (GRCh38, 1-based): chr22:25,955,198, G>A. VCF-style: chr22-25955198-G-A. GRCh37 (hg19) VCF-style: chr22-26351164-G-A.
Other names: c.5993G>A, p.Arg1998Gln (NM_001318245.2); short protein forms R1997Q, R1998Q.
Identifiers: ClinVar variation 1499804 (VCV001499804.4), dbSNP rs1341234671, ClinGen allele CA411008910.